The following is an entry in ClinVar:

NM_000903.3(NQO1):c.593C>A (p.Ala198Glu)

Gene: NQO1 (NAD(P)H quinone dehydrogenase 1; minus strand). Cytogenetic location: 16q22.1.
Variant type: single nucleotide variant.
Coding change: c.593C>A on transcript NM_000903.3 (MANE Select); coding-DNA position 593, C replaced by A.
Protein change: p.Ala198Glu; replaces alanine 198 with glutamic acid.
Molecular consequence: missense variant.
Genome position (GRCh38, 1-based): chr16:69,711,208, G>T on the plus strand (C>A on the coding strand, the complement: NQO1 is on the minus strand). VCF-style: chr16-69711208-G-T. GRCh37 (hg19) VCF-style: chr16-69745111-G-T.
Other names: c.491C>A, p.Ala164Glu (NM_001025433.2); c.479C>A, p.Ala160Glu (NM_001025434.2); c.377C>A, p.Ala126Glu (NM_001286137.2); short protein forms A198E, A126E, A164E, A160E.
Identifiers: ClinVar variation 1750608 (VCV001750608.2), dbSNP rs2151741783, ClinGen allele CA396487806.

ClinVar aggregate classification (germline): Uncertain significance (1 of 4 stars; one submission).

Submission:

Ambry Genetics
Classification: Uncertain significance. Last evaluated: 2022-05-26. Review status: criteria provided, single submitter. Criteria: Ambry Variant Classification Scheme 2023. Collection method: clinical testing. Allele origin: germline.
Comment: The p.A198E variant (also known as c.593C>A), located in coding exon 6 of the NQO1 gene, results from a C to A substitution at nucleotide position 593. The alanine at codon 198 is replaced by glutamic acid, an amino acid with dissimilar properties. This amino acid position is conserved. In addition, this alteration is predicted to be tolerated by in silico analysis. Since supporting evidence is limited at this time, the clinical significance of this alteration remains unclear.